The following is an entry in ClinVar:

NM_213720.3(CHCHD10):c.8G>T (p.Arg3Leu)

Gene: CHCHD10 (coiled-coil-helix-coiled-coil-helix domain containing 10; minus strand). Cytogenetic location: 22q11.23.
Variant type: single nucleotide variant.
Coding change: c.8G>T on transcript NM_213720.3 (MANE Select); coding-DNA position 8, G replaced by T.
Protein change: p.Arg3Leu; replaces arginine 3 with leucine.
Molecular consequence: missense variant. On other transcripts: non-coding transcript variant (2).
Genome position (GRCh38, 1-based): chr22:23,767,867, C>A on the plus strand (G>T on the coding strand, the complement: CHCHD10 is on the minus strand). VCF-style: chr22-23767867-C-A. GRCh37 (hg19) VCF-style: chr22-24110054-C-A.
Other names: c.8G>T, p.Arg3Leu (NM_001301339.2); short protein forms R3L.
Identifiers: ClinVar variation 855585 (VCV000855585.9), dbSNP rs766426370, ClinGen allele CA410917515.

ClinVar aggregate classification (germline): Uncertain significance (1 of 4 stars; one submission).

Conditions:
Frontotemporal dementia and/or amyotrophic lateral sclerosis 2. Also called: FTDALS2. Identifiers: Orphanet 275872, MedGen C4014648, MONDO:0014395, OMIM 615911.
Autosomal dominant mitochondrial myopathy with exercise intolerance (IMMD). Also called: Myopathy, isolated mitochondrial, autosomal dominant. Identifiers: Orphanet 457050, MedGen C4015513, MONDO:0014532, OMIM 616209.
Lower motor neuron syndrome with late-adult onset (SMAJ). Also called: Spinal muscular atrophy, Jokela type; Late-Onset Spinal Motor Neuronopathy (SMAJ). Identifiers: Orphanet 276435, MedGen C3554398, MONDO:0014025, OMIM 615048.

Allele frequency attached by ClinVar (database versions not stated): TOPMed 0.00002; gnomAD 0.00002.

Submission:

Labcorp Genetics (formerly Invitae), Labcorp
Classification: Uncertain significance for Lower motor neuron syndrome with late-adult onset; Frontotemporal dementia and/or amyotrophic lateral sclerosis 2; Autosomal dominant mitochondrial myopathy with exercise intolerance. Last evaluated: 2023-04-06. Review status: criteria provided, single submitter. Criteria: Invitae Variant Classification Sherloc (09022015). Collection method: clinical testing. Allele origin: germline.
Comment: In summary, the available evidence is currently insufficient to determine the role of this variant in disease. Therefore, it has been classified as a Variant of Uncertain Significance. Experimental studies and prediction algorithms are not available or were not evaluated, and the functional significance of this variant is currently unknown. ClinVar contains an entry for this variant (Variation ID: 855585). This variant has not been reported in the literature in individuals affected with CHCHD10-related conditions. The frequency data for this variant in the population databases is considered unreliable, as metrics indicate poor data quality at this position in the gnomAD database. This sequence change replaces arginine, which is basic and polar, with leucine, which is neutral and non-polar, at codon 3 of the CHCHD10 protein (p.Arg3Leu).